The following is an entry in ClinVar:

ClinVar aggregate classification (germline): Uncertain significance (1 of 4 stars; one submission).

Submission:

Labcorp Genetics (formerly Invitae), Labcorp
Classification: Uncertain significance. Last evaluated: 2023-08-24. Review status: criteria provided, single submitter. Criteria: Invitae Variant Classification Sherloc (09022015). Collection method: clinical testing. Allele origin: germline.
Comment: This sequence change replaces methionine, which is neutral and non-polar, with valine, which is neutral and non-polar, at codon 495 of the LEMD3 protein (p.Met495Val). This variant is not present in population databases (gnomAD no frequency). This variant has not been reported in the literature in individuals affected with LEMD3-related conditions. Advanced modeling of protein sequence and biophysical properties (such as structural, functional, and spatial information, amino acid conservation, physicochemical variation, residue mobility, and thermodynamic stability) performed at Invitae indicates that this missense variant is not expected to disrupt LEMD3 protein function. In summary, the available evidence is currently insufficient to determine the role of this variant in disease. Therefore, it has been classified as a Variant of Uncertain Significance.

NM_014319.5(LEMD3):c.1483A>G (p.Met495Val)

Gene: LEMD3 (LEM domain containing 3; plus strand). Cytogenetic location: 12q14.3.
Variant type: single nucleotide variant.
Coding change: c.1483A>G on transcript NM_014319.5 (MANE Select); coding-DNA position 1483, A replaced by G.
Protein change: p.Met495Val; replaces methionine 495 with valine.
Molecular consequence: missense variant.
Genome position (GRCh38, 1-based): chr12:65,171,079, A>G. VCF-style: chr12-65171079-A-G. GRCh37 (hg19) VCF-style: chr12-65564859-A-G.
Other names: c.1483A>G, p.Met495Val (NM_001167614.2); short protein forms M495V.
Identifiers: ClinVar variation 2719532 (VCV002719532.3), dbSNP rs2498941338, ClinGen allele CA385676652.